The following is an entry in ClinVar:

ClinVar aggregate classification (germline): Conflicting classifications of pathogenicity. Review status: criteria provided, conflicting classifications (1 of 4 stars). 2 submissions from 2 submitters: Uncertain significance (1); Likely benign (1). Last evaluated 2026-01-05.

Conditions:
Combined immunodeficiency due to LRBA deficiency. Also called: Common variable immunodeficiency 8, with autoimmunity. Identifiers: Orphanet 445018, MedGen C3553512, MONDO:0013863, OMIM 614700.

Submissions (2):

Labcorp Genetics (formerly Invitae), Labcorp
Classification: Likely benign for Combined immunodeficiency due to LRBA deficiency. Last evaluated: 2026-01-05. Review status: criteria provided, single submitter. Criteria: Invitae Variant Classification Sherloc (09022015). Collection method: clinical testing. Allele origin: germline.

Laboratorio de Genetica e Diagnostico Molecular, Hospital Israelita Albert Einstein
Classification: Uncertain significance for Combined immunodeficiency due to LRBA deficiency. Last evaluated: 2021-03-30. Review status: criteria provided, single submitter. Criteria: ACMG Guidelines, 2015. Collection method: clinical testing. Allele origin: germline. Affected: yes.
Comment: ACMG classification criteria: BP4

NM_001364905.1(LRBA):c.8468+10del

Gene: LRBA (LPS responsive beige-like anchor protein; minus strand). Cytogenetic location: 4q31.3.
Variant type: Deletion.
Coding change: c.8468+10del on transcript NM_001364905.1 (MANE Select); 10 bases into the intron after coding-DNA position 8468, one base deleted (G; older notation c.8468+10delG).
Molecular consequence: intron variant.
Genome position (GRCh38, 1-based): chr4:150,277,843, C deleted on the plus strand (G on the coding strand, the reverse complement: LRBA is on the minus strand); the first of 2 consecutive C bases (chr4:150,277,843-150,277,844); deleting either gives the same sequence. VCF-style (leftmost placement, unchanged base first): chr4-150277842-TC-T. GRCh37 (hg19) VCF-style: chr4-151198994-TC-T.
Other names: c.8501+10delG (NM_006726.4); c.8483+10del (NM_001367550.1, NM_001440431.1); c.8501+10del (NM_006726.5); c.8465+10del (NM_001199282.3); c.8516+10del (NM_001440430.1); c.2186+10del (NM_001440432.1); c.2180+10del (NM_001440433.1).
Identifiers: ClinVar variation 1093574 (VCV001093574.12), dbSNP rs1454498033, ClinGen allele CA555565813.